The following is an entry in ClinVar:

ClinVar aggregate classification (germline): Uncertain significance (1 of 4 stars; one submission).

gnomAD v4.1: 1 of 1,156,096 alleles (0.000086%); highest among the groups gnomAD compares: Non-Finnish European, 0.00012%; no homozygotes.

Submission:

GeneDx
Classification: Uncertain significance. Last evaluated: 2023-12-15. Review status: criteria provided, single submitter. Criteria: GeneDx Variant Classification Process June 2021. Collection method: clinical testing. Allele origin: germline. Affected: yes.
Comment: Not observed at significant frequency in large population cohorts (gnomAD); In silico analysis supports that this missense variant does not alter protein structure/function; Has not been previously published as pathogenic or benign to our knowledge

NM_001330360.2(POLA1):c.2689G>A (p.Glu897Lys)

Gene: POLA1 (DNA polymerase alpha 1, catalytic subunit; plus strand). Cytogenetic location: Xp22.11.
Variant type: single nucleotide variant.
Coding change: c.2689G>A on transcript NM_001330360.2 (MANE Select); coding-DNA position 2689, G replaced by A.
Protein change: p.Glu897Lys; replaces glutamic acid 897 with lysine.
Molecular consequence: missense variant. On other transcripts: non-coding transcript variant (2).
Genome position (GRCh38, 1-based): chrX:24,745,540, G>A. VCF-style: chrX-24745540-G-A. GRCh37 (hg19) VCF-style: chrX-24763657-G-A.
Other names: c.2614G>A, p.Glu872Lys (NM_001378303.1); c.2671G>A, p.Glu891Lys (NM_016937.4); short protein forms E872K, E891K, E897K.
Identifiers: ClinVar variation 3365641 (VCV003365641.1).